The following is an entry in ClinVar:

NM_182961.4(SYNE1):c.25092G>A (p.Pro8364=)

Gene: SYNE1 (spectrin repeat containing nuclear envelope protein 1; minus strand). Cytogenetic location: 6q25.2.
Variant type: single nucleotide variant.
Coding change: c.25092G>A on transcript NM_182961.4 (MANE Select); coding-DNA position 25092, G replaced by A.
Protein change: p.Pro8364=; no amino-acid change (proline 8364 retained).
Molecular consequence: synonymous variant.
Genome position (GRCh38, 1-based): chr6:152,143,650, C>T on the plus strand (G>A on the coding strand, the complement: SYNE1 is on the minus strand). VCF-style: chr6-152143650-C-T. GRCh37 (hg19) VCF-style: chr6-152464785-C-T.
Other names: c.25092G>A (NM_182961.2); c.1698G>A, p.Pro566= (NM_001347701.2); c.1626G>A, p.Pro542= (NM_001347702.2); c.24948G>A, p.Pro8316= (NM_033071.5).
Identifiers: ClinVar variation 706086 (VCV000706086.21), dbSNP rs374755363, ClinGen allele CA4052956.

ClinVar aggregate classification (germline): Likely benign. Review status: criteria provided, multiple submitters, no conflicts (2 of 4 stars). 5 submissions from 5 submitters: Likely benign (5). Last evaluated 2025-08-18.

Conditions:
Emery-Dreifuss muscular dystrophy 4, autosomal dominant (EDMD4). Also called: EMERY-DREIFUSS MUSCULAR DYSTROPHY 4 WITH VARIABLE FEATURES. Identifiers: Orphanet 261, MedGen C2751807, MONDO:0013071, OMIM 612998.
Autosomal recessive ataxia, Beauce type. Also called: SYNE1-Related Autosomal Recessive Cerebellar Ataxia; Spinocerebellar ataxia, autosomal recessive 8; ATAXIA, RECESSIVE, OF BEAUCE; SYNE1 Deficiency. Identifiers: Orphanet 88644, MedGen C1853116, MONDO:0012549, OMIM 610743.
SYNE1-related disorder. Also called: SYNE1-related disorders; SYNE1-related disease; SYNE1-related condition.

Allele frequency attached by ClinVar (database versions not stated): gnomAD 0.00009; gnomAD exomes 0.00010 and 0.00012; TOPMed 0.00011; ExAC 0.00012; 1000 Genomes Project 0.00020; 1000 Genomes Project 30x 0.00031; ESP Exome Variant Server 0.00031.
gnomAD v4.1: 163 of 1,614,162 alleles (0.01%); highest among the groups gnomAD compares: Admixed American, 0.015%; no homozygotes.

Submissions (5):

Labcorp Genetics (formerly Invitae), Labcorp
Classification: Likely benign for Emery-Dreifuss muscular dystrophy 4, autosomal dominant; Autosomal recessive ataxia, Beauce type. Last evaluated: 2025-08-18. Review status: criteria provided, single submitter. Criteria: Invitae Variant Classification Sherloc (09022015). Collection method: clinical testing. Allele origin: germline.

PreventionGenetics, part of Exact Sciences
Classification: Likely benign for SYNE1-related condition. Last evaluated: 2025-07-29. Review status: criteria provided, single submitter. Criteria: ACMG Guidelines, 2015. Collection method: clinical testing. Allele origin: germline.
Comment: This variant is classified as likely benign based on ACMG/AMP sequence variant interpretation guidelines (Richards et al. 2015 PMID: 25741868, with internal and published modifications).

CeGaT Center for Human Genetics Tuebingen
Classification: Likely benign. Last evaluated: 2025-03-01. Review status: criteria provided, single submitter. Criteria: CeGaT Center For Human Genetics Tuebingen Variant Classification Criteria Version 2. Collection method: clinical testing. Allele origin: germline. Affected: yes. Observed: 1 variant allele.
Comment: SYNE1: BP4, BP7

Athena Diagnostics
Classification: Likely benign. Last evaluated: 2024-11-12. Review status: criteria provided, single submitter. Criteria: Athena Diagnostics Criteria. Collection method: clinical testing. Allele origin: unknown.

Revvity Omics, Revvity
Classification: Likely benign. Last evaluated: 2023-10-16. Review status: criteria provided, single submitter. Criteria: ACMG Guidelines, 2015. Collection method: clinical testing. Allele origin: germline.